The following is an entry in ClinVar:

NM_015346.4(ZFYVE26):c.4316A>G (p.Asp1439Gly)

Gene: ZFYVE26 (zinc finger FYVE-type containing 26; minus strand). Cytogenetic location: 14q24.1.
Variant type: single nucleotide variant.
Coding change: c.4316A>G on transcript NM_015346.4 (MANE Select); coding-DNA position 4316, A replaced by G.
Protein change: p.Asp1439Gly; replaces aspartic acid 1439 with glycine.
Molecular consequence: missense variant.
Genome position (GRCh38, 1-based): chr14:67,782,836, T>C on the plus strand (A>G on the coding strand, the complement: ZFYVE26 is on the minus strand). VCF-style: chr14-67782836-T-C. GRCh37 (hg19) VCF-style: chr14-68249553-T-C.
Other names: short protein forms D1439G.
Identifiers: ClinVar variation 1896136 (VCV001896136.5), dbSNP rs2039537213, ClinGen allele CA390170144.

ClinVar aggregate classification (germline): Uncertain significance (1 of 4 stars; one submission).

Conditions:
Spastic paraplegia. Identifiers: MedGen C0037772, HP:0001258.

Allele frequency attached by ClinVar (database versions not stated): TOPMed 0.00001.

Submission:

Labcorp Genetics (formerly Invitae), Labcorp
Classification: Uncertain significance for Spastic paraplegia. Last evaluated: 2023-12-06. Review status: criteria provided, single submitter. Criteria: Invitae Variant Classification Sherloc (09022015). Collection method: clinical testing. Allele origin: germline.
Comment: This sequence change replaces aspartic acid, which is acidic and polar, with glycine, which is neutral and non-polar, at codon 1439 of the ZFYVE26 protein (p.Asp1439Gly). This variant is not present in population databases (gnomAD no frequency). This variant has not been reported in the literature in individuals affected with ZFYVE26-related conditions. ClinVar contains an entry for this variant (Variation ID: 1896136). An algorithm developed to predict the effect of missense changes on protein structure and function (PolyPhen-2) suggests that this variant is likely to be tolerated. In summary, the available evidence is currently insufficient to determine the role of this variant in disease. Therefore, it has been classified as a Variant of Uncertain Significance.